The following is an entry in ClinVar:

ClinVar aggregate classification (germline): Uncertain significance (1 of 4 stars; one submission).

Allele frequency attached by ClinVar (database versions not stated): gnomAD exomes 0.00001; ExAC 0.00002; gnomAD 0.00002; TOPMed 0.00003; ESP Exome Variant Server 0.00008.
gnomAD v4.1: 39 of 1,614,002 alleles (0.0024%); highest among the groups gnomAD compares: Non-Finnish European, 0.0031%; no homozygotes.

Submission:

GeneDx
Classification: Uncertain significance. Last evaluated: 2023-07-05. Review status: criteria provided, single submitter. Criteria: GeneDx Variant Classification Process June 2021. Collection method: clinical testing. Allele origin: germline. Affected: yes.
Comment: In silico analysis supports that this missense variant has a deleterious effect on protein structure/function; Has not been previously published as pathogenic or benign to our knowledge

NM_138691.3(TMC1):c.697G>A (p.Glu233Lys)

Gene: TMC1 (transmembrane channel like 1; plus strand). Cytogenetic location: 9q21.13.
Variant type: single nucleotide variant.
Coding change: c.697G>A on transcript NM_138691.3 (MANE Select); coding-DNA position 697, G replaced by A.
Protein change: p.Glu233Lys; replaces glutamic acid 233 with lysine.
Molecular consequence: missense variant.
Genome position (GRCh38, 1-based): chr9:72,754,840, G>A. VCF-style: chr9-72754840-G-A. GRCh37 (hg19) VCF-style: chr9-75369756-G-A.
Other names: short protein forms E233K.
Identifiers: ClinVar variation 1314637 (VCV001314637.3), dbSNP rs373537563, ClinGen allele CA5081760.